The following is an entry in ClinVar:

ClinVar aggregate classification (germline): Uncertain significance. Review status: criteria provided, multiple submitters, no conflicts (2 of 4 stars). 2 submissions from 2 submitters: Uncertain significance (2). Last evaluated 2023-08-11.

Conditions:
Bethlem myopathy 1A. Also called: Bethlem Muscular Dystrophy; Bethlem myopathy 1; MYOPATHY, BENIGN CONGENITAL, WITH CONTRACTURES. Identifiers: Orphanet 610, MedGen CN029274, MONDO:0024530, OMIM 158810.

Allele frequency attached by ClinVar (database versions not stated): gnomAD exomes 0.00001 and below 0.00001; TOPMed 0.00001; gnomAD 0.00001.
gnomAD v4.1: 6 of 1,613,940 alleles (0.00037%); highest among the groups gnomAD compares: Non-Finnish European, 0.00051%; no homozygotes.

Submissions (2):

Labcorp Genetics (formerly Invitae), Labcorp
Classification: Uncertain significance for Bethlem myopathy 1A. Last evaluated: 2023-08-11. Review status: criteria provided, single submitter. Criteria: Invitae Variant Classification Sherloc (09022015). Collection method: clinical testing. Allele origin: germline.
Comment: This sequence change replaces glycine, which is neutral and non-polar, with glutamic acid, which is acidic and polar, at codon 2841 of the COL6A3 protein (p.Gly2841Glu). This variant is present in population databases (no rsID available, gnomAD 0.0009%). This variant has not been reported in the literature in individuals affected with COL6A3-related conditions. ClinVar contains an entry for this variant (Variation ID: 658517). Advanced modeling of protein sequence and biophysical properties (such as structural, functional, and spatial information, amino acid conservation, physicochemical variation, residue mobility, and thermodynamic stability) performed at Invitae indicates that this missense variant is not expected to disrupt COL6A3 protein function. In summary, the available evidence is currently insufficient to determine the role of this variant in disease. Therefore, it has been classified as a Variant of Uncertain Significance.

GeneDx
Classification: Uncertain significance. Last evaluated: 2019-06-03. Review status: criteria provided, single submitter. Criteria: GeneDx Variant Classification Process June 2021. Collection method: clinical testing. Allele origin: germline. Affected: yes.
Comment: Not observed at a significant frequency in large population cohorts (Lek et al., 2016); In silico analysis, which includes protein predictors and evolutionary conservation, supports a deleterious effect

NM_004369.4(COL6A3):c.8522G>A (p.Gly2841Glu)

Gene: COL6A3 (collagen type VI alpha 3 chain; minus strand). Cytogenetic location: 2q37.3.
Variant type: single nucleotide variant.
Coding change: c.8522G>A on transcript NM_004369.4 (MANE Select); coding-DNA position 8522, G replaced by A.
Protein change: p.Gly2841Glu; replaces glycine 2841 with glutamic acid.
Molecular consequence: missense variant.
Genome position (GRCh38, 1-based): chr2:237,339,060, C>T on the plus strand (G>A on the coding strand, the complement: COL6A3 is on the minus strand). VCF-style: chr2-237339060-C-T. GRCh37 (hg19) VCF-style: chr2-238247703-C-T.
Other names: c.6701G>A, p.Gly2234Glu (NM_057166.5); c.7904G>A, p.Gly2635Glu (NM_057167.4); short protein forms G2635E, G2841E, G2234E.
Identifiers: ClinVar variation 658517 (VCV000658517.10), dbSNP rs1296360526, ClinGen allele CA351192863.